The following is an entry in ClinVar:

ClinVar aggregate classification (germline): Conflicting classifications of pathogenicity. Review status: criteria provided, conflicting classifications (1 of 4 stars). 5 submissions from 5 submitters: Pathogenic (1); Likely pathogenic (2); Uncertain significance (2). Last evaluated 2025-12-17.

Conditions:
Retinal dystrophy. Also called: Inherited retinal dystrophy. Identifiers: Orphanet 71862, MedGen C0854723, MeSH D058499, MONDO:0019118, HP:0000556.
Cone-rod dystrophy. Also called: Cone/cone-rod dystrophy; Cone-rod degeneration. Identifiers: Orphanet 1872, MedGen C4085590, MONDO:0015993, HP:0000548.
Retinitis pigmentosa 26 (RP26). Identifiers: Orphanet 791, MedGen C1842127, MONDO:0012024, OMIM 608380.

Allele frequency attached by ClinVar (database versions not stated): gnomAD exomes below 0.00001; TOPMed 0.00001.
gnomAD v4.1: 3 of 1,592,410 alleles (0.00019%); highest among the groups gnomAD compares: East Asian, 0.0022%; no homozygotes.

Submissions (5):

Natera, Inc.
Classification: Likely pathogenic for Retinitis Pigmentosa 26. Last evaluated: 2025-12-17. Review status: criteria provided, single submitter. Criteria: Natera Variant Classification Schema (03/2026). Collection method: clinical testing. Allele origin: germline.
Comment: The c.1642T>G variant in CERKL is a missense variant predicted to cause substitution of tyrosine to aspartic acid at amino acid 548. This variant is rare in the general population with a frequency below the threshold expected for the associated phenotype(s). This variant has been observed in one or more individuals affected with the associated recessive disease, as either homozygous or compound heterozygous with a second variant (PMID: 39462066, 32531858). Additionally, this variant has been observed to segregate in affected family members (PMID: 39462066). Computational prediction algorithms indicate this variant is likely to affect gene or protein function. Given the available evidence, this variant is classified as Likely Pathogenic.

Labcorp Genetics (formerly Invitae), Labcorp
Classification: Uncertain significance. Last evaluated: 2022-10-17. Review status: criteria provided, single submitter. Criteria: Invitae Variant Classification Sherloc (09022015). Collection method: clinical testing. Allele origin: germline.
Comment: This sequence change replaces tyrosine, which is neutral and polar, with aspartic acid, which is acidic and polar, at codon 548 of the CERKL protein (p.Tyr548Asp). This variant is present in population databases (no rsID available, gnomAD 0.006%). This variant has not been reported in the literature in individuals affected with CERKL-related conditions. ClinVar contains an entry for this variant (Variation ID: 809115). Advanced modeling of protein sequence and biophysical properties (such as structural, functional, and spatial information, amino acid conservation, physicochemical variation, residue mobility, and thermodynamic stability) performed at Invitae indicates that this missense variant is expected to disrupt CERKL protein function. In summary, the available evidence is currently insufficient to determine the role of this variant in disease. Therefore, it has been classified as a Variant of Uncertain Significance.

Institute of Human Genetics, Univ. Regensburg, Univ. Regensburg
Classification: Likely pathogenic for Retinal dystrophy. Last evaluated: 2021-01-01. Review status: criteria provided, single submitter. Criteria: ACMG Guidelines, 2015. Collection method: clinical testing. Allele origin: germline. Affected: yes.

Molecular Genetics Laboratory, Institute for Ophthalmic Research
Classification: Pathogenic for Cone-rod dystrophy. Last evaluated: 2020-01-09. Review status: criteria provided, single submitter. Criteria: ACMG Guidelines, 2015. Collection method: research. Allele origin: germline. Affected: yes.

CeGaT Center for Human Genetics Tuebingen
Classification: Uncertain significance. Last evaluated: 2019-03-01. Review status: criteria provided, single submitter. Criteria: CeGaT Center For Human Genetics Tuebingen Variant Classification Criteria Version 2. Collection method: clinical testing. Allele origin: germline. Affected: yes. Observed: 1 variant allele.

Literature cited by the submitters: PubMed 39462066 (cited by Natera, Inc.); PubMed 32531858 (cited by Natera, Inc. and Institute of Human Genetics, Univ. Regensburg, Univ. Regensburg).

NM_201548.5(CERKL):c.1564T>G (p.Tyr522Asp)

Genes: CERKL (CERK like autophagy regulator; minus strand), ITGA4 (integrin subunit alpha 4; plus strand). Cytogenetic location: 2q31.3.
Variant type: single nucleotide variant.
Coding change: c.1564T>G on transcript NM_201548.5 (MANE Select); coding-DNA position 1564, T replaced by G.
Protein change: p.Tyr522Asp; replaces tyrosine 522 with aspartic acid.
Molecular consequence: missense variant. On other transcripts: 3 prime UTR variant (1), non-coding transcript variant (2).
Genome position (GRCh38, 1-based): chr2:181,538,219, A>C on the plus strand (T>G on the coding strand, the complement: CERKL is on the minus strand). VCF-style: chr2-181538219-A-C. GRCh37 (hg19) VCF-style: chr2-182402946-A-C.
Other names: c.*2692A>C (NM_000885.6); c.1642T>G, p.Tyr548Asp (NM_001030311.3); c.1225T>G, p.Tyr409Asp (NM_001030312.3); c.1357T>G, p.Tyr453Asp (NM_001030313.3); c.1510T>G, p.Tyr504Asp (NM_001160277.2); short protein forms Y409D, Y453D, Y548D, Y504D, Y522D.
Identifiers: ClinVar variation 809115 (VCV000809115.46), dbSNP rs1201433512, ClinGen allele CA349732688.